The following is an entry in ClinVar:

NM_000352.6(ABCC8):c.723C>T (p.His241=)

Gene: ABCC8 (ATP binding cassette subfamily C member 8; minus strand). Cytogenetic location: 11p15.1.
Variant type: single nucleotide variant.
Coding change: c.723C>T on transcript NM_000352.6 (MANE Select); coding-DNA position 723, C replaced by T.
Protein change: p.His241=; no amino-acid change (histidine 241 retained).
Molecular consequence: synonymous variant. On other transcripts: non-coding transcript variant (1).
Genome position (GRCh38, 1-based): chr11:17,461,682, G>A on the plus strand (C>T on the coding strand, the complement: ABCC8 is on the minus strand). VCF-style: chr11-17461682-G-A. GRCh37 (hg19) VCF-style: chr11-17483229-G-A.
Other names: c.723C>T, p.His241= (NM_001287174.3, NM_001351295.2, NM_001351296.2 and 1 more transcripts).
Identifiers: ClinVar variation 877362 (VCV000877362.13), dbSNP rs147276708, ClinGen allele CA5903793.
Genomic context (GRCh38, chr11:17,461,682, plus strand): 5'-GGTGAGGGCCCTCATGGCGATGGGCAGCTTCCCGATGGCTCGCAAGTCGATGGGCTTCTT[G>A]TGGGCAGTCTTGATGAAGGCGTTCATCCACCAGTAGGTGCCTTTGGACAGCAGATTCACG-3'
Protein context (NP_000343.2, residues 231-251): WWMNAFIKTA[His241=]KKPIDLRAIG

ClinVar aggregate classification (germline): Conflicting classifications of pathogenicity. Review status: criteria provided, conflicting classifications (1 of 4 stars). 7 submissions from 4 submitters: Uncertain significance (4); Benign (1); Likely benign (2). Last evaluated 2024-04-25.

Conditions:
Transitory neonatal diabetes mellitus. Also called: Transient neonatal diabetes mellitus. Identifiers: MedGen C0342273, MONDO:0020525, HP:0008255.
Maturity-onset diabetes of the young (MODY). Also called: Maturity onset diabetes mellitus in young. Identifiers: Orphanet 552, MedGen C0342276, MONDO:0018911, HP:0004904.
Diabetes mellitus, transient neonatal, 2 (TNDM2). Identifiers: Orphanet 99886, MedGen C1835887, MONDO:0012480, OMIM 610374. Disease mechanism: loss of function.
Inborn genetic diseases. Identifiers: MedGen C0950123, MeSH D030342.
Hyperinsulinemic hypoglycemia, familial, 1 (HHF1). Also called: Persistent hyperinsulinemic hypoglycemia of infancy; Persistent Hyperinsulinemia Hypoglycemia of Infancy; HYPERINSULINISM, FAMILIAL, WITH PANCREATIC NESIDIOBLASTOSIS; HYPOGLYCEMIA, HYPERINSULINEMIC, OF INFANCY; NESIDIOBLASTOSIS OF PANCREAS. Identifiers: Orphanet 276575, Orphanet 276598, MedGen C2931832, MONDO:0009734, OMIM 256450.
Permanent neonatal diabetes mellitus (PNDM). Identifiers: Orphanet 99885, MedGen C1833104, MONDO:0100164, MONDO:0011643. Disease mechanism: gain of function.

Allele frequency attached by ClinVar (database versions not stated): gnomAD exomes 0.00001 and 0.00002; ExAC 0.00002; gnomAD 0.00009 and 0.00010; TOPMed 0.00010; ESP Exome Variant Server 0.00015.
gnomAD v4.1: 24 of 1,614,114 alleles (0.0015%); highest among the groups gnomAD compares: African/African-American, 0.032%; no homozygotes.

Submissions (7):

Ambry Genetics
Classification: Likely benign for Inborn genetic diseases. Last evaluated: 2024-04-25. Review status: criteria provided, single submitter. Criteria: Ambry Variant Classification Scheme 2023. Collection method: clinical testing. Allele origin: germline.

Labcorp Genetics (formerly Invitae), Labcorp
Classification: Likely benign. Last evaluated: 2024-02-11. Review status: criteria provided, single submitter. Criteria: Invitae Variant Classification Sherloc (09022015). Collection method: clinical testing. Allele origin: germline.

Illumina Laboratory Services, Illumina
Classification: Uncertain significance for Hyperinsulinemic hypoglycemia, familial, 1. Last evaluated: 2018-01-12. Review status: criteria provided, single submitter. Criteria: ICSL Variant Classification Criteria 13 December 2019. Collection method: clinical testing. Allele origin: germline.

Illumina Laboratory Services, Illumina
Classification: Benign for Diabetes mellitus, transient neonatal, 2. Last evaluated: 2018-01-12. Review status: criteria provided, single submitter. Criteria: ICSL Variant Classification Criteria 13 December 2019. Collection method: clinical testing. Allele origin: germline.
Comment: This variant was observed in the ICSL laboratory as part of a predisposition screen in an ostensibly healthy population. It had not been previously curated by ICSL or reported in the Human Gene Mutation Database (HGMD: prior to June 1st, 2018), and was therefore a candidate for classification through an automated scoring system. Utilizing variant allele frequency, disease prevalence and penetrance estimates, and inheritance mode, an automated score was calculated to assess if this variant is too frequent to cause the disease. Based on the score and internal cut-off values, a variant classified as benign is not then subjected to further curation. The score for this variant resulted in a classification of benign for this disease.

Illumina Laboratory Services, Illumina
Classification: Uncertain significance for Permanent neonatal diabetes mellitus 1. Last evaluated: 2018-01-12. Review status: criteria provided, single submitter. Criteria: ICSL Variant Classification Criteria 13 December 2019. Collection method: clinical testing. Allele origin: germline.

Clinical Genomics, Uppaluri K&H Personalized Medicine Clinic
Classification: Uncertain significance for Maturity-onset diabetes of the young. Review status: criteria provided, single submitter. Criteria: K & H Uppaluri Personalized Medicine Clinic Variant Classification & Assertion Criteria_Updated V.1. Collection method: research. Allele origin: unknown. Inheritance: Somatic mutation.
Comment: Mutations in ABCC8 gene are associated with both neonatal diabetes mellitus as well as MODY. Patients with this mutation may have a better response to sulfonylureas. However, no sufficient evidence is found to ascertain the role of this particular variant ( rs147276708) in MODY yet.

Clinical Genomics, Uppaluri K&H Personalized Medicine Clinic
Classification: Uncertain significance for Transitory neonatal diabetes mellitus. Review status: criteria provided, single submitter. Criteria: K & H Uppaluri Personalized Medicine Clinic Variant Classification & Assertion Criteria_Updated V.1. Collection method: research. Allele origin: unknown. Inheritance: Somatic mutation.
Comment: Mutations in ABCC8 gene are associated with both neonatal diabetes mellitus as well as MODY. Patients with this mutation may have a better response to sulfonylureas. However, no sufficient evidence is found to ascertain the role of this particular variant ( rs147276708) in neonatal diabetes yet.

Literature cited by the submitters: PubMed 16885549 (cited by Clinical Genomics, Uppaluri K&H Personalized Medicine Clinic); PubMed 21989597 (cited by Clinical Genomics, Uppaluri K&H Personalized Medicine Clinic); PubMed 27538677 (cited by Clinical Genomics, Uppaluri K&H Personalized Medicine Clinic); PubMed 18981553 (cited by Clinical Genomics, Uppaluri K&H Personalized Medicine Clinic); PubMed 32027066 (cited by Clinical Genomics, Uppaluri K&H Personalized Medicine Clinic); PubMed 16613899 (cited by Clinical Genomics, Uppaluri K&H Personalized Medicine Clinic); PubMed 18025408 (cited by Clinical Genomics, Uppaluri K&H Personalized Medicine Clinic); PubMed 32792356 (cited by Clinical Genomics, Uppaluri K&H Personalized Medicine Clinic).